The following is an entry in ClinVar:

GRCh37/hg19 Xp21.1(chrX:31893253-32053731)x1

Gene: DMD (dystrophin; minus strand). Cytogenetic location: Xp21.1.
Variant type: copy number loss.
Change: copy number 1 of chrX:31,893,253-32,053,731 (160.5 kb, GRCh37 coordinates, 1-based), cytogenetic band Xp21.1.
Identifiers: ClinVar variation 3338462 (VCV003338462.1).

ClinVar aggregate classification (germline): Likely pathogenic (0 of 4 stars; one submission).

Conditions:
Becker muscular dystrophy (BMD). Also called: MUSCULAR DYSTROPHY, PSEUDOHYPERTROPHIC PROGRESSIVE, BECKER TYPE; Becker Muscular Dystrophy (BMD). Identifiers: Orphanet 98895, MedGen C0917713, MONDO:0010311, OMIM 300376.

Submission:

Solve-RD Consortium
Classification: Likely pathogenic for Becker muscular dystrophy. Last evaluated: 2024-06-01. Review status: no assertion criteria provided. Collection method: provider interpretation. Allele origin: germline. Affected: yes.
Comment: This CNV was confirmed by the submitting clinician to impact a gene that corresponds with the phenotype of the affected individual, and thus deemed to be causative for their condition.

Literature cited by the submitters: PubMed 39825153.